The following is an entry in ClinVar:

NM_001723.7(DST):c.4479A>T (p.Ala1493=)

Gene: DST (dystonin; minus strand). Cytogenetic location: 6p12.1.
Variant type: single nucleotide variant.
Coding change: c.4479A>T on transcript NM_001723.7 (MANE Plus Clinical); coding-DNA position 4479, A replaced by T.
Protein change: p.Ala1493=; no amino-acid change (alanine 1493 retained).
Molecular consequence: synonymous variant. On other transcripts: intron variant (10).
Genome position (GRCh38, 1-based): chr6:56,619,555, T>A on the plus strand (A>T on the coding strand, the complement: DST is on the minus strand). VCF-style: chr6-56619555-T-A. GRCh37 (hg19) VCF-style: chr6-56484353-T-A.
Other names: c.4479A>T (NM_001723.5); c.4830+4975A>T (NM_001144769.5); c.4929+4975A>T (NM_001374722.1, NM_001374736.1); c.4956+4975A>T (NM_001374734.1); c.4416+4975A>T (NM_001144770.2); c.4296+4975A>T (NM_001374730.1, NM_001386100.1, NM_183380.4 and 1 more transcripts); c.3318+4975A>T (NM_015548.5).
Identifiers: ClinVar variation 1596678 (VCV001596678.13), dbSNP rs781257215, ClinGen allele CA3870522.

ClinVar aggregate classification (germline): Likely benign. Review status: criteria provided, single submitter (1 of 4 stars). 2 submissions from 2 submitters: Likely benign (1). 1 of the submissions does not count toward it. Last evaluated 2024-09-12.

Conditions:
DST-related disorder. Also called: DST-related condition; DST-related disorders.
Hereditary sensory and autonomic neuropathy type 6. Also called: HSAN VI; Neuropathy, hereditary sensory and autonomic, type VI. Identifiers: Orphanet 314381, MedGen C3539003, MONDO:0013839, OMIM 614653.
Epidermolysis bullosa simplex 3, localized or generalized intermediate, with BP230 deficiency (EBS3). Also called: Epidermolysis bullosa simplex due to BP230 deficiency; Epidermolysis bullosa simplex, autosomal recessive 2. Identifiers: Orphanet 412181, MedGen C3809470, MONDO:0014180, OMIM 615425.

Allele frequency attached by ClinVar (database versions not stated): gnomAD 0.00003 and 0.00004; gnomAD exomes 0.00004 and 0.00006; TOPMed 0.00004; ExAC 0.00005.
gnomAD v4.1: 63 of 1,613,826 alleles (0.0039%); highest among the groups gnomAD compares: Admixed American, 0.012%; no homozygotes.

Submissions (2):

Labcorp Genetics (formerly Invitae), Labcorp
Classification: Likely benign for Epidermolysis bullosa simplex 3, localized or generalized intermediate, with BP230 deficiency; Hereditary sensory and autonomic neuropathy type 6. Last evaluated: 2024-09-12. Review status: criteria provided, single submitter. Criteria: Invitae Variant Classification Sherloc (09022015). Collection method: clinical testing. Allele origin: germline.

PreventionGenetics, part of Exact Sciences
Classification: Likely benign for DST-related condition. Last evaluated: 2024-01-10. Review status: no assertion criteria provided. Collection method: clinical testing. Allele origin: germline. Not counted in ClinVar's aggregate classification.
Comment: This variant is classified as likely benign based on ACMG/AMP sequence variant interpretation guidelines (Richards et al. 2015 PMID: 25741868, with internal and published modifications).